The following is an entry in ClinVar:

NM_174916.3(UBR1):c.5128T>G (p.Leu1710Val)

Gene: UBR1 (ubiquitin protein ligase E3 component n-recognin 1; minus strand). Cytogenetic location: 15q15.2.
Variant type: single nucleotide variant.
Coding change: c.5128T>G on transcript NM_174916.3 (MANE Select); coding-DNA position 5128, T replaced by G.
Protein change: p.Leu1710Val; replaces leucine 1710 with valine.
Molecular consequence: missense variant.
Genome position (GRCh38, 1-based): chr15:42,945,451, A>C on the plus strand (T>G on the coding strand, the complement: UBR1 is on the minus strand). VCF-style: chr15-42945451-A-C. GRCh37 (hg19) VCF-style: chr15-43237649-A-C.
Other names: short protein forms L1710V.
Identifiers: ClinVar variation 1460574 (VCV001460574.5), dbSNP rs2031716308, ClinGen allele CA392049982.

ClinVar aggregate classification (germline): Uncertain significance (1 of 4 stars; one submission).

Allele frequency attached by ClinVar (database versions not stated): TOPMed below 0.00001.

Submission:

Labcorp Genetics (formerly Invitae), Labcorp
Classification: Uncertain significance. Last evaluated: 2021-08-25. Review status: criteria provided, single submitter. Criteria: Invitae Variant Classification Sherloc (09022015). Collection method: clinical testing. Allele origin: germline.
Comment: This sequence change replaces leucine with valine at codon 1710 of the UBR1 protein (p.Leu1710Val). The leucine residue is highly conserved and there is a small physicochemical difference between leucine and valine. This variant is not present in population databases (ExAC no frequency). This variant has not been reported in the literature in individuals affected with UBR1-related conditions. Algorithms developed to predict the effect of missense changes on protein structure and function (SIFT, PolyPhen-2, Align-GVGD) all suggest that this variant is likely to be disruptive. Algorithms developed to predict the effect of sequence changes on RNA splicing suggest that this variant may create or strengthen a splice site. In summary, the available evidence is currently insufficient to determine the role of this variant in disease. Therefore, it has been classified as a Variant of Uncertain Significance.